The following is an entry in ClinVar:

NM_000538.4(RFXAP):c.634_637del (p.Gln212fs)

Gene: RFXAP (regulatory factor X associated protein; plus strand). Cytogenetic location: 13q13.3.
Variant type: Deletion.
Coding change: c.634_637del on transcript NM_000538.4 (MANE Select); coding-DNA positions 634 to 637, 4 bases deleted (CAAA; older notation c.634_637delCAAA).
Protein change: p.Gln212fs; shifts the reading frame from glutamine 212.
Molecular consequence: frameshift variant.
Genome position (GRCh38, 1-based): chr13:36,825,461-36,825,464, CAAA deleted; deleting any 4 consecutive bases within chr13:36,825,458-36,825,464 gives the same sequence; the c. name uses the placement nearest the transcript's 3' end. VCF-style (leftmost placement, unchanged base first): chr13-36825457-TAAAC-T. GRCh37 (hg19) VCF-style: chr13-37399594-TAAAC-T.
Other names: short protein forms Q212fs.
Identifiers: ClinVar variation 950345 (VCV000950345.9), dbSNP rs2057975113, ClinGen allele CA1139663244.

ClinVar aggregate classification (germline): Uncertain significance (1 of 4 stars; one submission).

Conditions:
MHC class II deficiency. Also called: Bare lymphocyte syndrome 2; BLS, TYPE II. Identifiers: Orphanet 572, MedGen C5447452, MONDO:0008855.

Submission:

Labcorp Genetics (formerly Invitae), Labcorp
Classification: Uncertain significance for MHC class II deficiency. Last evaluated: 2020-01-28. Review status: criteria provided, single submitter. Criteria: Invitae Variant Classification Sherloc (09022015). Collection method: clinical testing. Allele origin: germline.
Comment: In summary, the available evidence is currently insufficient to determine the role of this variant in disease. Therefore, it has been classified as a Variant of Uncertain Significance. This variant disrupts the C-terminus of the RFXAP protein. Other variant(s) that disrupt this region (p.Gln251*) have been observed in individuals with RFXAP-related conditions (PMID: 12498778). This suggests that this may be a clinically significant region of the protein. This variant has not been reported in the literature in individuals with RFXAP-related conditions. This variant is not present in population databases (ExAC no frequency). This sequence change results in a premature translational stop signal in the RFXAP gene (p.Gln212Glufs*15). While this is not anticipated to result in nonsense mediated decay, it is expected to disrupt the last 61 amino acids of the RFXAP protein.

Literature cited by the submitters: PubMed 12498778.